The following is an entry in ClinVar:

NM_004415.4(DSP):c.2828A>C (p.Lys943Thr)

Gene: DSP (desmoplakin; plus strand). Cytogenetic location: 6p24.3.
Variant type: single nucleotide variant.
Coding change: c.2828A>C on transcript NM_004415.4 (MANE Select); coding-DNA position 2828, A replaced by C.
Protein change: p.Lys943Thr; replaces lysine 943 with threonine.
Molecular consequence: missense variant.
Genome position (GRCh38, 1-based): chr6:7,576,993, A>C. VCF-style: chr6-7576993-A-C. GRCh37 (hg19) VCF-style: chr6-7577226-A-C.
Other names: c.2828A>C, p.Lys943Thr (NM_001008844.3, NM_001319034.2); short protein forms K943T.
Identifiers: ClinVar variation 927792 (VCV000927792.4), dbSNP rs1279814161, ClinGen allele CA362682232.

ClinVar aggregate classification (germline): Uncertain significance (1 of 4 stars; one submission).

Conditions:
Cardiomyopathy (CMYO). Also called: Cardiomyopathies. Identifiers: Orphanet 167848, MedGen C0878544, MONDO:0004994, HP:0001638. Inheritance: Various modes of inheritance.

Allele frequency attached by ClinVar (database versions not stated): gnomAD exomes below 0.00001 and 0.00001; gnomAD 0.00001.

Submission:

Color Diagnostics, LLC DBA Color Health
Classification: Uncertain significance for Cardiomyopathy. Last evaluated: 2024-03-07. Review status: criteria provided, single submitter. Criteria: ACMG Guidelines, 2015. Collection method: clinical testing. Allele origin: germline.
Comment: This missense variant replaces lysine with threonine at codon 943 of the DSP protein. Computational prediction tool suggests that this variant may not impact protein structure and function (internally defined REVEL score threshold <=0.5, PMID: 27666373). Splice site prediction tools suggest that this variant may not impact RNA splicing. To our knowledge, functional studies have not been performed for this variant. This variant has not been reported in individuals affected with cardiovascular disorders in the literature. This variant has been identified in 2/282132 chromosomes in the general population by the Genome Aggregation Database (gnomAD). The available evidence is insufficient to determine the role of this variant in disease conclusively. Therefore, this variant is classified as a Variant of Uncertain Significance.